The following is an entry in ClinVar:

ClinVar aggregate classification (germline): Pathogenic. Review status: criteria provided, multiple submitters, no conflicts (2 of 4 stars). 2 submissions from 2 submitters: Pathogenic (2). Last evaluated 2023-08-21.

Conditions:
Hereditary nonpolyposis colorectal neoplasms. Identifiers: MedGen C0009405, MeSH D003123.
Lynch syndrome 5 (LYNCH5). Also called: Colorectal cancer, hereditary nonpolyposis, type 5; Hereditary non-polyposis colorectal cancer, type 5. Identifiers: Orphanet 144, MedGen C1833477, MONDO:0013710, OMIM 614350. Disease mechanism: loss of function.

Submissions (2):

Myriad Genetics, Inc.
Classification: Pathogenic for Lynch syndrome 5. Last evaluated: 2023-08-21. Review status: criteria provided, single submitter. Criteria: Myriad Autosomal Dominant, Autosomal Recessive and X-Linked Classification Criteria (2023). Collection method: clinical testing. Allele origin: unknown.
Comment: This variant is considered pathogenic. This variant creates a frameshift predicted to result in premature protein truncation.

Labcorp Genetics (formerly Invitae), Labcorp
Classification: Pathogenic for Hereditary nonpolyposis colorectal neoplasms. Last evaluated: 2018-09-09. Review status: criteria provided, single submitter. Criteria: Invitae Variant Classification Sherloc (09022015). Collection method: clinical testing. Allele origin: germline.
Comment: For these reasons, this variant has been classified as Pathogenic. Loss-of-function variants in MSH6 are known to be pathogenic (PMID: 18269114, 24362816). This variant has not been reported in the literature in individuals with MSH6-related disease. This variant is not present in population databases (ExAC no frequency). This sequence change creates a premature translational stop signal (p.Gln958Argfs*10) in the MSH6 gene. It is expected to result in an absent or disrupted protein product.

Literature cited by the submitters: PubMed 18269114 (cited by Labcorp Genetics (formerly Invitae), Labcorp); PubMed 24362816 (cited by Labcorp Genetics (formerly Invitae), Labcorp).

NM_000179.3(MSH6):c.2873del (p.Gln958fs)

Gene: MSH6 (mutS homolog 6; plus strand). Cytogenetic location: 2p16.3.
Variant type: Deletion.
Coding change: c.2873del on transcript NM_000179.3 (MANE Select); coding-DNA position 2873, one base deleted (A; older notation c.2873delA).
Protein change: p.Gln958fs; shifts the reading frame from glutamine 958.
Molecular consequence: frameshift variant.
Genome position (GRCh38, 1-based): chr2:47,800,856, A deleted. VCF-style (leftmost placement, unchanged base first): chr2-47800855-CA-C. GRCh37 (hg19) VCF-style: chr2-48027994-CA-C.
Other names: c.2483del, p.Gln828fs (NM_001281492.2); c.1967del, p.Gln656fs (NM_001281493.2, NM_001281494.2); c.2873delA (NM_000179.2); short protein forms Q828fs, Q656fs, Q958fs.
Identifiers: ClinVar variation 663470 (VCV000663470.8), dbSNP rs1572729033, ClinGen allele CA915943936.
Genomic context (GRCh38, chr2:47,800,855, plus strand): 5'-GACCAAGCTCTTGCTGACATAAGAGAAAATGAACAGAGCCTCCTGGAATACCTAGAGAAA[CA>C]GCGCAACAGAATTGGCTGTAGGACCATAGTCTATTGGGGGATTGGTAGGAACCGTTACCA-3'